The following is an entry in ClinVar:

NM_001540.5(HSPB1):c.428+44T>G

Gene: HSPB1 (heat shock protein family B (small) member 1; plus strand). Cytogenetic location: 7q11.23.
Variant type: single nucleotide variant.
Coding change: c.428+44T>G on transcript NM_001540.5 (MANE Select); 44 bases into the intron after coding-DNA position 428, T replaced by G.
Molecular consequence: intron variant.
Genome position (GRCh38, 1-based): chr7:76,303,909, T>G. VCF-style: chr7-76303909-T-G. GRCh37 (hg19) VCF-style: chr7-75933226-T-G.
Identifiers: ClinVar variation 678310 (VCV000678310.1), dbSNP rs568301666, ClinGen allele CA4306404.

ClinVar aggregate classification (germline): Likely benign (1 of 4 stars; one submission).

Allele frequency attached by ClinVar (database versions not stated): ExAC 0.00100; gnomAD exomes 0.00139 and 0.00230; gnomAD 0.01291; TOPMed 0.01921; 1000 Genomes Project 0.01977; 1000 Genomes Project 30x 0.02139.

Submission:

GeneDx
Classification: Likely benign. Last evaluated: 2018-06-16. Review status: criteria provided, single submitter. Criteria: GeneDx Variant Classification (06012015). Collection method: clinical testing. Allele origin: germline. Affected: yes.
Comment: This variant is considered likely benign or benign based on one or more of the following criteria: it is a conservative change, it occurs at a poorly conserved position in the protein, it is predicted to be benign by multiple in silico algorithms, and/or has population frequency not consistent with disease.